The following is an entry in ClinVar:

ClinVar aggregate classification (germline): Conflicting classifications of pathogenicity. Review status: criteria provided, conflicting classifications (1 of 4 stars). 2 submissions from 2 submitters: Uncertain significance (1); Likely benign (1). Last evaluated 2026-01-22.

Conditions:
RYR1-related disorder. Also called: RYR1-related condition; RYR1-related disorders. Identifiers: MedGen CN239331.
Malignant hyperthermia, susceptibility to, 1 (MHS1). Also called: Malignant hyperthermia suceptibility 1; Anesthesia related hyperthermia; Malignant hyperpyrexia; Fulminating hyperpyrexia; Pharmacogenic myopathy; RYR1-Related Malignant Hyperthermia Susceptibility. Identifiers: Orphanet 423, MedGen C2930980, MONDO:0007783, OMIM 145600.

Allele frequency attached by ClinVar (database versions not stated): TOPMed below 0.00001; gnomAD 0.00001; gnomAD exomes 0.00001.
gnomAD v4.1: 21 of 1,612,494 alleles (0.0013%); highest among the groups gnomAD compares: Non-Finnish European, 0.0018%; no homozygotes.

Submissions (2):

Labcorp Genetics (formerly Invitae), Labcorp
Classification: Likely benign for RYR1-related disorder. Last evaluated: 2026-01-22. Review status: criteria provided, single submitter. Criteria: Invitae Variant Classification Sherloc (09022015). Collection method: clinical testing. Allele origin: germline.

Color Diagnostics, LLC DBA Color Health
Classification: Uncertain significance for Malignant hyperthermia, susceptibility to, 1. Last evaluated: 2023-10-19. Review status: criteria provided, single submitter. Criteria: ACMG Guidelines, 2015. Collection method: clinical testing. Allele origin: germline.
Comment: This variant causes a C to G nucleotide substitution at the -15 position of intron 21 of the RYR1 gene. To our knowledge, functional studies have not been reported for this variant. This variant has not been reported in individuals affected with RYR1-related disorders in the literature. This variant has been identified in 1/251486 chromosomes in the general population by the Genome Aggregation Database (gnomAD). The available evidence is insufficient to determine the role of this variant in disease conclusively. Therefore, this variant is classified as a Variant of Uncertain Significance.

NM_000540.3(RYR1):c.2683-15C>G

Gene: RYR1 (ryanodine receptor 1; plus strand). Cytogenetic location: 19q13.2.
Variant type: single nucleotide variant.
Coding change: c.2683-15C>G on transcript NM_000540.3 (MANE Select); 15 bases into the intron before coding-DNA position 2683, C replaced by G.
Molecular consequence: intron variant.
Genome position (GRCh38, 1-based): chr19:38,463,732, C>G. VCF-style: chr19-38463732-C-G. GRCh37 (hg19) VCF-style: chr19-38954372-C-G.
Other names: c.2683-15C>G (NM_001042723.2).
Identifiers: ClinVar variation 2043382 (VCV002043382.5), dbSNP rs892282118, ClinGen allele CA308074454.